The following is an entry in ClinVar:

NM_000257.4(MYH7):c.1598T>G (p.Ile533Ser)

Gene: MYH7 (myosin heavy chain 7; minus strand). Cytogenetic location: 14q11.2.
Variant type: single nucleotide variant.
Coding change: c.1598T>G on transcript NM_000257.4 (MANE Select); coding-DNA position 1598, T replaced by G.
Protein change: p.Ile533Ser; replaces isoleucine 533 with serine.
Molecular consequence: missense variant.
Genome position (GRCh38, 1-based): chr14:23,427,875, A>C on the plus strand (T>G on the coding strand, the complement: MYH7 is on the minus strand). VCF-style: chr14-23427875-A-C. GRCh37 (hg19) VCF-style: chr14-23897084-A-C.
Other names: c.1598T>G, p.Ile533Ser (NM_001407004.1); short protein forms I533S.
Identifiers: ClinVar variation 2119391 (VCV002119391.4), dbSNP rs397516114, ClinGen allele CA389050228.

ClinVar aggregate classification (germline): Uncertain significance (1 of 4 stars; one submission).

Conditions:
Hypertrophic cardiomyopathy. Also called: HYPERTROPHIC MYOCARDIOPATHY. Identifiers: Orphanet 217569, MedGen C0007194, MeSH D002312, MONDO:0005045, HP:0001639.

Submission:

Labcorp Genetics (formerly Invitae), Labcorp
Classification: Uncertain significance for Hypertrophic cardiomyopathy. Last evaluated: 2022-03-29. Review status: criteria provided, single submitter. Criteria: Invitae Variant Classification Sherloc (09022015). Collection method: clinical testing. Allele origin: germline.
Comment: In summary, the available evidence is currently insufficient to determine the role of this variant in disease. Therefore, it has been classified as a Variant of Uncertain Significance. This variant is found within a region of MYH7 between codons 181 and 937 that contains the majority of the myosin head domain. Missense variants in this region have been shown to be significantly overrepresented in individuals with hypertrophic cardiomyopathy (PMID: 27532257). Algorithms developed to predict the effect of missense changes on protein structure and function (SIFT, PolyPhen-2, Align-GVGD) all suggest that this variant is likely to be disruptive. This variant has not been reported in the literature in individuals affected with MYH7-related conditions. This variant is not present in population databases (gnomAD no frequency). This sequence change replaces isoleucine, which is neutral and non-polar, with serine, which is neutral and polar, at codon 533 of the MYH7 protein (p.Ile533Ser).

Literature cited by the submitters: PubMed 27532257.